The following is an entry in ClinVar:

ClinVar aggregate classification (germline): Likely pathogenic (1 of 4 stars; one submission).

Conditions:
Familial dysautonomia. Also called: HSAN III; FD. Identifiers: Orphanet 1764, MedGen C0013364, MONDO:0009131, OMIM 223900. Disease mechanism: loss of function.

Submission:

Myriad Genetics, Inc.
Classification: Likely pathogenic for Familial dysautonomia. Last evaluated: 2022-02-02. Review status: criteria provided, single submitter. Criteria: Myriad Women's Health Autosomal Recessive and X-Linked Classification Criteria (2021). Collection method: clinical testing. Allele origin: unknown.
Comment: NM_003640.3(ELP1):c.3624delA(E1209Kfs*14) is expected to be pathogenic in the context of familial dysautonomia. This variant is predicted to lead to an abnormal or absent protein product due to the creation of a premature termination codon in ELP1, a gene where loss-of-function variants are known to be pathogenic. Please note: this variant was assessed in the context of healthy population screening.

NM_003640.5(ELP1):c.3624del (p.Glu1209fs)

Gene: ELP1 (elongator acetyltransferase complex subunit 1; minus strand). Cytogenetic location: 9q31.3.
Variant type: Deletion.
Coding change: c.3624del on transcript NM_003640.5 (MANE Select); coding-DNA position 3624, one base deleted (A; older notation c.3624delA).
Protein change: p.Glu1209fs; shifts the reading frame from glutamic acid 1209.
Molecular consequence: frameshift variant.
Genome position (GRCh38, 1-based): chr9:108,878,699, T deleted on the plus strand (A on the coding strand, the reverse complement: ELP1 is on the minus strand); the first of 3 consecutive T bases (chr9:108,878,699-108,878,701); deleting any one gives the same sequence. VCF-style (leftmost placement, unchanged base first): chr9-108878698-CT-C. GRCh37 (hg19) VCF-style: chr9-111640978-CT-C.
Other names: c.3282del, p.Glu1095fs (NM_001318360.2); c.2577del, p.Glu860fs (NM_001330749.2); short protein forms E1095fs, E1209fs, E860fs.
Identifiers: ClinVar variation 1724219 (VCV001724219.2), dbSNP rs2537856378, ClinGen allele CA2580079375.